The following is an entry in ClinVar:

ClinVar aggregate classification (germline): Uncertain significance (1 of 4 stars; one submission).

Conditions:
Actin accumulation myopathy (CMYO2A). Also called: Myopathy, actin, congenital, with cores; Nemaline myopathy 3, with intranuclear rods; Nemaline myopathy type 3; Myopathy, actin, congenital, with excess of thin myofilaments; CONGENITAL MYOPATHY 2A, TYPICAL, AUTOSOMAL DOMINANT. Identifiers: Orphanet 98904, MedGen C3711389, MONDO:0008070, OMIM 161800.

Submission:

Labcorp Genetics (formerly Invitae), Labcorp
Classification: Uncertain significance for Actin accumulation myopathy. Last evaluated: 2022-12-20. Review status: criteria provided, single submitter. Criteria: Invitae Variant Classification Sherloc (09022015). Collection method: clinical testing. Allele origin: germline.
Comment: This sequence change replaces isoleucine, which is neutral and non-polar, with valine, which is neutral and non-polar, at codon 124 of the ACTA1 protein (p.Ile124Val). This variant is not present in population databases (gnomAD no frequency). This variant has not been reported in the literature in individuals affected with ACTA1-related conditions. Advanced modeling of protein sequence and biophysical properties (such as structural, functional, and spatial information, amino acid conservation, physicochemical variation, residue mobility, and thermodynamic stability) performed at Invitae indicates that this missense variant is not expected to disrupt ACTA1 protein function. In summary, the available evidence is currently insufficient to determine the role of this variant in disease. Therefore, it has been classified as a Variant of Uncertain Significance.

NM_001100.4(ACTA1):c.370A>G (p.Ile124Val)

Gene: ACTA1 (actin alpha 1, skeletal muscle; minus strand). Cytogenetic location: 1q42.13.
Variant type: single nucleotide variant.
Coding change: c.370A>G on transcript NM_001100.4 (MANE Select); coding-DNA position 370, A replaced by G.
Protein change: p.Ile124Val; replaces isoleucine 124 with valine.
Molecular consequence: missense variant.
Genome position (GRCh38, 1-based): chr1:229,432,640, T>C on the plus strand (A>G on the coding strand, the complement: ACTA1 is on the minus strand). VCF-style: chr1-229432640-T-C. GRCh37 (hg19) VCF-style: chr1-229568387-T-C.
Other names: short protein forms I124V.
Identifiers: ClinVar variation 2822508 (VCV002822508.3), dbSNP rs2527438966, ClinGen allele CA345149583.